The following is an entry in ClinVar:

ClinVar aggregate classification (germline): Conflicting classifications of pathogenicity. Review status: criteria provided, conflicting classifications (1 of 4 stars). 4 submissions from 4 submitters: Uncertain significance (3); Likely benign (1). Last evaluated 2025-10-31.

Conditions:
Hereditary nonpolyposis colorectal neoplasms. Identifiers: MedGen C0009405, MeSH D003123.
Hereditary cancer-predisposing syndrome. Also called: Hereditary Cancer Syndrome; Tumor predisposition; Hereditary neoplastic syndrome; Neoplastic Syndromes, Hereditary. Identifiers: Orphanet 140162, MedGen C0027672, MeSH D009386, MONDO:0015356.
Lynch syndrome 5 (LYNCH5). Also called: Hereditary non-polyposis colorectal cancer, type 5; Colorectal cancer, hereditary nonpolyposis, type 5. Identifiers: Orphanet 144, MedGen C1833477, MONDO:0013710, OMIM 614350. Disease mechanism: loss of function.

Submissions (4):

Helix
Classification: Uncertain significance for Lynch syndrome 5. Last evaluated: 2025-10-31. Review status: criteria provided, single submitter. Criteria: ACMG Guidelines, 2015. Collection method: clinical testing. Allele origin: germline. Inheritance: Autosomal dominant inheritance.
Comment: This variant (NM_000179.3:c.860G>A p.Ser287Asn) results in the substitution of serine with asparagine at codon 287 in the MSH6 protein. It is present in the gnomAD population database (v4.1) at the highest allele frequency in the East Asian subpopulation among non-founder subpopulations (1/44880 alleles, 0.0022%). To our knowledge, this variant has not been reported in individuals with MSH6-related conditions in the published literature. In silico prediction from the HCI Database of Prior Probabilities of Pathogenicity suggests that this variant may be benign. This variant is present in ClinVar (Accession: VCV000822603.11). In conclusion, since the available evidence is limited, the clinical significance of this variant is unclear at this time. Therefore, it is classified as a Variant of Uncertain Significance.

Ambry Genetics
Classification: Likely benign for Hereditary cancer-predisposing syndrome. Last evaluated: 2025-02-05. Review status: criteria provided, single submitter. Criteria: Ambry Variant Classification Scheme 2023. Collection method: clinical testing. Allele origin: germline.

Labcorp Genetics (formerly Invitae), Labcorp
Classification: Uncertain significance for Hereditary nonpolyposis colorectal neoplasms. Last evaluated: 2024-05-25. Review status: criteria provided, single submitter. Criteria: Invitae Variant Classification Sherloc (09022015). Collection method: clinical testing. Allele origin: germline.
Comment: This sequence change replaces serine, which is neutral and polar, with asparagine, which is neutral and polar, at codon 287 of the MSH6 protein (p.Ser287Asn). This variant is not present in population databases (gnomAD no frequency). This variant has not been reported in the literature in individuals affected with MSH6-related conditions. ClinVar contains an entry for this variant (Variation ID: 822603). Advanced modeling of protein sequence and biophysical properties (such as structural, functional, and spatial information, amino acid conservation, physicochemical variation, residue mobility, and thermodynamic stability) performed at Invitae indicates that this missense variant is not expected to disrupt MSH6 protein function with a negative predictive value of 95%. In summary, the available evidence is currently insufficient to determine the role of this variant in disease. Therefore, it has been classified as a Variant of Uncertain Significance.

Color Diagnostics, LLC DBA Color Health
Classification: Uncertain significance for Hereditary cancer-predisposing syndrome. Last evaluated: 2024-03-06. Review status: criteria provided, single submitter. Criteria: ACMG Guidelines, 2015. Collection method: clinical testing. Allele origin: germline.
Comment: This missense variant replaces serine with asparagine at codon 287 of the MSH6 protein. Computational prediction suggests that this variant may not impact protein structure and function (internally defined REVEL score threshold <= 0.5, PMID: 27666373). To our knowledge, functional studies have not been reported for this variant. This variant has not been reported in individuals affected with hereditary cancer in the literature. This variant has not been identified in the general population by the Genome Aggregation Database (gnomAD). The available evidence is insufficient to determine the role of this variant in disease conclusively. Therefore, this variant is classified as a Variant of Uncertain Significance.

NM_000179.3(MSH6):c.860G>A (p.Ser287Asn)

Gene: MSH6 (mutS homolog 6; plus strand). Cytogenetic location: 2p16.3.
Variant type: single nucleotide variant.
Coding change: c.860G>A on transcript NM_000179.3 (MANE Select); coding-DNA position 860, G replaced by A.
Protein change: p.Ser287Asn; replaces serine 287 with asparagine.
Molecular consequence: missense variant. On other transcripts: 5 prime UTR variant (2).
Genome position (GRCh38, 1-based): chr2:47,798,843, G>A. VCF-style: chr2-47798843-G-A. GRCh37 (hg19) VCF-style: chr2-48025982-G-A.
Other names: c.470G>A, p.Ser157Asn (NM_001281492.2); c.-47G>A (NM_001281493.2, NM_001281494.2); short protein forms S287N, S157N.
Identifiers: ClinVar variation 822603 (VCV000822603.13), dbSNP rs876660299, ClinGen allele CA346740589.
Genomic context (GRCh38, chr2:47,798,843, plus strand): 5'-CAGACACTAAGGAGGAAGGAAGCAGTGATGAAATAAGCAGTGGAGTGGGGGATAGTGAGA[G>A]TGAAGGCCTGAACAGCCCTGTCAAAGTTGCTCGAAAGCGGAAGAGAATGGTGACTGGAAA-3'
Protein context (NP_000170.1, residues 277-297): EISSGVGDSE[Ser287Asn]EGLNSPVKVA